The following is an entry in ClinVar:

NM_033380.3(COL4A5):c.3347G>A (p.Gly1116Glu)

Gene: COL4A5 (collagen type IV alpha 5 chain; plus strand). Cytogenetic location: Xq22.3.
Variant type: single nucleotide variant.
Coding change: c.3347G>A on transcript NM_033380.3 (MANE Select); coding-DNA position 3347, G replaced by A.
Protein change: p.Gly1116Glu; replaces glycine 1116 with glutamic acid.
Molecular consequence: missense variant.
Genome position (GRCh38, 1-based): chrX:108,655,431, G>A. VCF-style: chrX-108655431-G-A. GRCh37 (hg19) VCF-style: chrX-107898661-G-A.
Other names: c.3347G>A, p.Gly1116Glu (NM_000495.5); short protein forms G1116E.
Identifiers: ClinVar variation 1066732 (VCV001066732.8), dbSNP rs281874713, ClinGen allele CA413857567.

ClinVar aggregate classification (germline): Pathogenic/Likely pathogenic. Review status: criteria provided, multiple submitters, no conflicts (2 of 4 stars). 2 submissions from 2 submitters: Pathogenic (1); Likely pathogenic (1). Last evaluated 2024-04-19.

Conditions:
X-linked Alport syndrome (ATS1). Also called: COL4A5-Related Nephropathy; NEPHROPATHY AND DEAFNESS, X-LINKED. Identifiers: Orphanet 63, Orphanet 88917, MedGen C4746986, MONDO:0010520, OMIM 301050.

Submissions (2):

Fulgent Genetics
Classification: Likely pathogenic for X-linked Alport syndrome. Last evaluated: 2024-04-19. Review status: criteria provided, single submitter. Criteria: ACMG Guidelines, 2015. Collection method: clinical testing. Allele origin: germline.

Labcorp Genetics (formerly Invitae), Labcorp
Classification: Pathogenic. Last evaluated: 2021-10-21. Review status: criteria provided, single submitter. Criteria: Invitae Variant Classification Sherloc (09022015). Collection method: clinical testing. Allele origin: germline.
Comment: This sequence change replaces glycine with glutamic acid at codon 1116 of the COL4A5 protein (p.Gly1116Glu). The glycine residue is highly conserved and there is a moderate physicochemical difference between glycine and glutamic acid. This variant is not present in population databases (ExAC no frequency). This missense change has been observed in individual(s) with clinical features of Alport syndrome (Invitae). ClinVar contains an entry for this variant (Variation ID: 1066732). Advanced modeling of protein sequence and biophysical properties (such as structural, functional, and spatial information, amino acid conservation, physicochemical variation, residue mobility, and thermodynamic stability) performed at Invitae indicates that this missense variant is expected to disrupt COL4A5 protein function. This variant disrupts the triple helix domain of COL4A5. Glycine residues within the Gly-Xaa-Yaa repeats of the triple helix domain are required for the structure and stability of fibrillar collagens (PMID: 7695699, 8218237, 19344236). In COL4A5, missense variants at these glycine residues are significantly enriched in individuals with disease (PMID: 23720012, 27627812) compared to the general population (ExAC). This variant disrupts the p.Gly1116 amino acid residue in COL4A5. Other variant(s) that disrupt this residue have been observed in individuals with COL4A5-related conditions (PMID: 20378821; Invitae), which suggests that this may be a clinically significant amino acid residue. For these reasons, this variant has been classified as Pathogenic.

Literature cited by the submitters: PubMed 7695699 (cited by Labcorp Genetics (formerly Invitae), Labcorp); PubMed 8218237 (cited by Labcorp Genetics (formerly Invitae), Labcorp); PubMed 19344236 (cited by Labcorp Genetics (formerly Invitae), Labcorp); PubMed 23720012 (cited by Labcorp Genetics (formerly Invitae), Labcorp); PubMed 27627812 (cited by Labcorp Genetics (formerly Invitae), Labcorp); PubMed 20378821 (cited by Labcorp Genetics (formerly Invitae), Labcorp).